The following is an entry in ClinVar:

ClinVar aggregate classification (germline): Uncertain significance (1 of 4 stars; one submission).

Submission:

Labcorp Genetics (formerly Invitae), Labcorp
Classification: Uncertain significance. Last evaluated: 2022-09-01. Review status: criteria provided, single submitter. Criteria: Invitae Variant Classification Sherloc (09022015). Collection method: clinical testing. Allele origin: germline.
Comment: In summary, the available evidence is currently insufficient to determine the role of this variant in disease. Therefore, it has been classified as a Variant of Uncertain Significance. Experimental studies and prediction algorithms are not available or were not evaluated, and the functional significance of this variant is currently unknown. This variant has not been reported in the literature in individuals affected with CRAT-related conditions. This variant is not present in population databases (gnomAD no frequency). This sequence change affects the initiator methionine of the CRAT mRNA. The next in-frame methionine is located at codon 22.

NM_000755.5(CRAT):c.1A>C (p.Met1Leu)

Gene: CRAT (carnitine O-acetyltransferase; minus strand). Cytogenetic location: 9q34.11.
Variant type: single nucleotide variant.
Coding change: c.1A>C on transcript NM_000755.5 (MANE Select); coding-DNA position 1, A replaced by C.
Protein change: p.Met1Leu; changes the start codon (methionine 1).
Molecular consequence: missense variant, initiator codon variant. On other transcripts: 5 prime UTR variant (4).
Genome position (GRCh38, 1-based): chr9:129,110,509, T>G on the plus strand (A>C on the coding strand, the complement: CRAT is on the minus strand). VCF-style: chr9-129110509-T-G. GRCh37 (hg19) VCF-style: chr9-131872788-T-G.
Other names: c.-162A>C (NM_001257363.3, NM_001346548.2); c.-172A>C (NM_001346546.2); c.1A>C, p.Met1Leu (NM_001346547.2, NM_001346549.2); c.-442A>C (NM_004003.4); short protein forms M1L.
Identifiers: ClinVar variation 2010327 (VCV002010327.5), dbSNP rs1848361786, ClinGen allele CA375111309.